The following is an entry in ClinVar:

ClinVar aggregate classification (germline): Likely benign. Review status: criteria provided, multiple submitters, no conflicts (2 of 4 stars). 2 submissions from 2 submitters: Likely benign (2). Last evaluated 2025-11-05.

Conditions:
Mitochondrial trifunctional protein deficiency. Identifiers: Orphanet 746, MedGen C1969443, MONDO:0012172.
Long chain 3-hydroxyacyl-CoA dehydrogenase deficiency. Also called: Deficiency of long-chain 3-hydroxyacyl-coenzyme A dehydrogenase; LCHAD Deficiency. Identifiers: Orphanet 5, MedGen C3711645, MONDO:0012173, OMIM 609016.

Allele frequency attached by ClinVar (database versions not stated): TOPMed below 0.00001; gnomAD 0.00001; gnomAD exomes 0.00001 and 0.00004; ExAC 0.00002.
gnomAD v4.1: 14 of 1,614,082 alleles (0.00087%); highest among the groups gnomAD compares: East Asian, 0.025%; no homozygotes.

Submissions (2):

Labcorp Genetics (formerly Invitae), Labcorp
Classification: Likely benign for Mitochondrial trifunctional protein deficiency; Long chain 3-hydroxyacyl-CoA dehydrogenase deficiency. Last evaluated: 2025-11-05. Review status: criteria provided, single submitter. Criteria: Invitae Variant Classification Sherloc (09022015). Collection method: clinical testing. Allele origin: germline.

GeneDx
Classification: Likely benign. Last evaluated: 2017-10-20. Review status: criteria provided, single submitter. Criteria: GeneDx Variant Classification (06012015). Collection method: clinical testing. Allele origin: germline. Affected: yes.
Comment: This variant is considered likely benign or benign based on one or more of the following criteria: it is a conservative change, it occurs at a poorly conserved position in the protein, it is predicted to be benign by multiple in silico algorithms, and/or has population frequency not consistent with disease.

NM_000182.5(HADHA):c.2147-19G>C

Genes: GAREM2 (GRB2 associated regulator of MAPK1 subtype 2; plus strand), HADHA (hydroxyacyl-CoA dehydrogenase trifunctional multienzyme complex subunit alpha; minus strand). Cytogenetic location: 2p23.3.
Variant type: single nucleotide variant.
Coding change: c.2147-19G>C on transcript NM_000182.5 (MANE Select); 19 bases into the intron before coding-DNA position 2147, G replaced by C.
Molecular consequence: intron variant.
Genome position (GRCh38, 1-based): chr2:26,191,414, C>G on the plus strand (G>C on the coding strand, the complement: HADHA is on the minus strand). VCF-style: chr2-26191414-C-G. GRCh37 (hg19) VCF-style: chr2-26414283-C-G.
Identifiers: ClinVar variation 512562 (VCV000512562.6), dbSNP rs367910392, ClinGen allele CA1559342.